The following is an entry in ClinVar:

NM_004273.5(CHST3):c.1304A>G (p.Lys435Arg)

Gene: CHST3 (carbohydrate sulfotransferase 3; plus strand). Cytogenetic location: 10q22.1.
Variant type: single nucleotide variant.
Coding change: c.1304A>G on transcript NM_004273.5 (MANE Select); coding-DNA position 1304, A replaced by G.
Protein change: p.Lys435Arg; replaces lysine 435 with arginine.
Molecular consequence: missense variant.
Genome position (GRCh38, 1-based): chr10:72,008,335, A>G. VCF-style: chr10-72008335-A-G. GRCh37 (hg19) VCF-style: chr10-73768093-A-G.
Other names: short protein forms K435R.
Identifiers: ClinVar variation 1920397 (VCV001920397.5), dbSNP rs1420630983, ClinGen allele CA377152464.

ClinVar aggregate classification (germline): Uncertain significance (1 of 4 stars; one submission).

Conditions:
Spondyloepiphyseal dysplasia with congenital joint dislocations (SEDCJD). Also called: Chondrodysplasia with Congenital Joint Dislocations, CHST3-Related. Identifiers: Orphanet 263463, MedGen C1837657, MONDO:0007738, OMIM 143095.

Allele frequency attached by ClinVar (database versions not stated): TOPMed below 0.00001; gnomAD 0.00001.
gnomAD v4.1: 2 of 1,573,366 alleles (0.00013%); highest among the groups gnomAD compares: African/African-American, 0.0027%; no homozygotes.

Submission:

Labcorp Genetics (formerly Invitae), Labcorp
Classification: Uncertain significance for Spondyloepiphyseal dysplasia with congenital joint dislocations. Last evaluated: 2025-03-10. Review status: criteria provided, single submitter. Criteria: Invitae Variant Classification Sherloc (09022015). Collection method: clinical testing. Allele origin: germline.
Comment: This sequence change replaces lysine, which is basic and polar, with arginine, which is basic and polar, at codon 435 of the CHST3 protein (p.Lys435Arg). The frequency data for this variant in the population databases is considered unreliable, as metrics indicate poor data quality at this position in the gnomAD database. This variant has not been reported in the literature in individuals affected with CHST3-related conditions. ClinVar contains an entry for this variant (Variation ID: 1920397). Invitae Evidence Modeling of protein sequence and biophysical properties (such as structural, functional, and spatial information, amino acid conservation, physicochemical variation, residue mobility, and thermodynamic stability) has been performed for this missense variant. However, the output from this modeling did not meet the statistical confidence thresholds required to predict the impact of this variant on CHST3 protein function. In summary, the available evidence is currently insufficient to determine the role of this variant in disease. Therefore, it has been classified as a Variant of Uncertain Significance.